The following is an entry in ClinVar:

NM_025179.4(PLXNA2):c.2670C>T (p.Ile890=)

Gene: PLXNA2 (plexin A2; minus strand). Cytogenetic location: 1q32.2.
Variant type: single nucleotide variant.
Coding change: c.2670C>T on transcript NM_025179.4 (MANE Select); coding-DNA position 2670, C replaced by T.
Protein change: p.Ile890=; no amino-acid change (isoleucine 890 retained).
Molecular consequence: synonymous variant.
Genome position (GRCh38, 1-based): chr1:208,060,754, G>A on the plus strand (C>T on the coding strand, the complement: PLXNA2 is on the minus strand). VCF-style: chr1-208060754-G-A. GRCh37 (hg19) VCF-style: chr1-208234099-G-A.
Identifiers: ClinVar variation 5001969 (VCV005001969.1).

ClinVar aggregate classification (germline): Likely benign (1 of 4 stars; one submission).

Conditions:
PLXNA2-related disorder. Also called: PLXNA2-related condition.

gnomAD v4.1: 6 of 1,614,054 alleles (0.00037%); highest among the groups gnomAD compares: African/African-American, 0.0013%; no homozygotes.

Submission:

PreventionGenetics, part of Exact Sciences
Classification: Likely benign for PLXNA2-related condition. Last evaluated: 2025-07-01. Review status: criteria provided, single submitter. Criteria: ACMG Guidelines, 2015. Collection method: clinical testing. Allele origin: germline.
Comment: This variant is classified as likely benign based on ACMG/AMP sequence variant interpretation guidelines (Richards et al. 2015 PMID: 25741868, with internal and published modifications).